The following is an entry in ClinVar:

ClinVar aggregate classification (germline): Conflicting classifications of pathogenicity. Review status: criteria provided, conflicting classifications (1 of 4 stars). 7 submissions from 7 submitters: Uncertain significance (2); Benign (2); Likely benign (2). 1 of the submissions does not count toward it. Last evaluated 2025-03-21.

Conditions:
Inborn genetic diseases. Identifiers: MedGen C0950123, MeSH D030342.
Spastic ataxia. Identifiers: Orphanet 316226, MedGen C1849156, MONDO:0017845, HP:0002497.
Spinocerebellar ataxia type 11 (SCA11). Identifiers: Orphanet 98767, MedGen C1858351, MONDO:0011464, OMIM 604432.

Allele frequency attached by ClinVar (database versions not stated): ESP Exome Variant Server 0.00016; gnomAD 0.00020 and 0.00024; gnomAD exomes 0.00022 and 0.00026; ExAC 0.00024; TOPMed 0.00026.
gnomAD v4.1: 409 of 1,602,768 alleles (0.026%); highest among the groups gnomAD compares: Middle Eastern, 0.17%; no homozygotes.

Submissions (7):

Labcorp Genetics (formerly Invitae), Labcorp
Classification: Uncertain significance. Last evaluated: 2025-03-21. Review status: criteria provided, single submitter. Criteria: Invitae Variant Classification Sherloc (09022015). Collection method: clinical testing. Allele origin: germline.
Comment: This sequence change replaces arginine, which is basic and polar, with tryptophan, which is neutral and slightly polar, at codon 199 of the TTBK2 protein (p.Arg199Trp). This variant is present in population databases (rs200125366, gnomAD 0.03%), and has an allele count higher than expected for a pathogenic variant. This variant has not been reported in the literature in individuals affected with TTBK2-related conditions. ClinVar contains an entry for this variant (Variation ID: 315998). Invitae Evidence Modeling of protein sequence and biophysical properties (such as structural, functional, and spatial information, amino acid conservation, physicochemical variation, residue mobility, and thermodynamic stability) indicates that this missense variant is expected to disrupt TTBK2 protein function with a positive predictive value of 80%. In summary, the available evidence is currently insufficient to determine the role of this variant in disease. Therefore, it has been classified as a Variant of Uncertain Significance.

Mayo Clinic Laboratories, Mayo Clinic
Classification: Benign. Last evaluated: 2024-11-13. Review status: criteria provided, single submitter. Criteria: ACMG Guidelines, 2015. Collection method: clinical testing. Allele origin: germline. Observed: 2 variant alleles.
Comment: BS1, BS2

Ambry Genetics
Classification: Uncertain significance for Inborn genetic diseases. Last evaluated: 2021-08-23. Review status: criteria provided, single submitter. Criteria: Ambry Variant Classification Scheme 2023. Collection method: clinical testing. Allele origin: germline.

Molecular Medicine for Neurodegenerative and Neuromuscular Diseases Unit, IRCCS Fondazione Stella Maris
Classification: Benign for Spastic ataxia. Last evaluated: 2021-07-12. Review status: criteria provided, single submitter. Criteria: ACMG Guidelines, 2015. Collection method: research. Allele origin: unknown. Affected: yes.

Illumina Laboratory Services, Illumina
Classification: Likely benign for Spinocerebellar ataxia type 11. Last evaluated: 2018-01-13. Review status: criteria provided, single submitter. Criteria: ICSL Variant Classification Criteria 13 December 2019. Collection method: clinical testing. Allele origin: germline.
Comment: This variant was observed in the ICSL laboratory as part of a predisposition screen in an ostensibly healthy population. It had not been previously curated by ICSL or reported in the Human Gene Mutation Database (HGMD: prior to June 1st, 2018), and was therefore a candidate for classification through an automated scoring system. Utilizing variant allele frequency, disease prevalence and penetrance estimates, and inheritance mode, an automated score was calculated to assess if this variant is too frequent to cause the disease. Based on the score and internal cut-off values, a variant classified as likely benign is not then subjected to further curation. The score for this variant resulted in a classification of likely benign for this disease.

Breakthrough Genomics
Classification: Likely benign. Review status: criteria provided, single submitter. Criteria: ACMG Guidelines, 2015. Collection method: not provided. Allele origin: germline. Inheritance: Autosomal dominant inheritance. Affected: yes.

Department of Pathology and Laboratory Medicine, Sinai Health System
Classification: Uncertain significance. Review status: no assertion criteria provided. Collection method: clinical testing. Allele origin: unknown. Affected: yes. Study: The Canadian Open Genetics Repository (COGR). Not counted in ClinVar's aggregate classification.
Comment: The TTBK2 p.Arg199Trp variant was not identified in the literature but was identified in dbSNP (ID: rs200125366), ClinVar (classified as uncertain significance by Illumina), and LOVD 3.0 (variant effect not shared). The variant was identified in control databases in 59 of 280332 chromosomes at a frequency of 0.0002105 (Genome Aggregation Database March 6, 2019, v2.1.1). The variant was observed in the following populations: European (non-Finnish) in 46 of 128516 chromosomes (freq: 0.000358), Latino in 9 of 35296 chromosomes (freq: 0.000255), Other in 1 of 7112 chromosomes (freq: 0.000141), East Asian in 2 of 19510 chromosomes (freq: 0.000103) and African in 1 of 24136 chromosomes (freq: 0.000041), but was not observed in the Ashkenazi Jewish, European (Finnish), or South Asian populations. The p.Arg199 residue is conserved in mammals but not in more distantly related organisms, and four out of five computational analyses (PolyPhen-2, SIFT, AlignGVGD, BLOSUM, MutationTaster) suggest that the variant may impact the protein; however, this information is not predictive enough to assume pathogenicity. The variant occurs outside of the splicing consensus sequence and in silico or computational prediction software programs (SpliceSiteFinder, MaxEntScan, NNSPLICE, GeneSplicer) do not predict a difference in splicing. In summary, based on the above information the clinical significance of this variant cannot be determined with certainty at this time. This variant is classified as a variant of uncertain significance.

NM_173500.4(TTBK2):c.595C>T (p.Arg199Trp)

Gene: TTBK2 (tau tubulin kinase 2; minus strand). Cytogenetic location: 15q15.2.
Variant type: single nucleotide variant.
Coding change: c.595C>T on transcript NM_173500.4 (MANE Select); coding-DNA position 595, C replaced by T.
Protein change: p.Arg199Trp; replaces arginine 199 with tryptophan.
Molecular consequence: missense variant.
Genome position (GRCh38, 1-based): chr15:42,817,040, G>A on the plus strand (C>T on the coding strand, the complement: TTBK2 is on the minus strand). VCF-style: chr15-42817040-G-A. GRCh37 (hg19) VCF-style: chr15-43109238-G-A.
Other names: p.Arg199Trp; short protein forms R199W.
Identifiers: ClinVar variation 315998 (VCV000315998.16), dbSNP rs200125366, ClinGen allele CA7517435.
Genomic context (GRCh38, chr15:42,817,040, plus strand): 5'-ATTTAAGCTATTAGCATACTTATACAGATATGACTCTAGTTCAGATACCTACCCTGTTCC[G>A]ATGTGCGTTGATTGATGCATAACGAACTGTCCCTCGAAAACCTGCCACAGCTCGAGGCTA-3'
Protein context (NP_775771.3, residues 189-209): TVRYASINAH[Arg199Trp]NREMGRHDDL